The following is an entry in ClinVar:

NM_016955.4(SEPSECS):c.746_755del (p.His249fs)

Gene: SEPSECS (Sep (O-phosphoserine) tRNA:Sec (selenocysteine) tRNA synthase; minus strand). Cytogenetic location: 4p15.2.
Variant type: Deletion.
Coding change: c.746_755del on transcript NM_016955.4 (MANE Select); coding-DNA positions 746 to 755, 10 bases deleted (ATATAGTTAA; older notation c.746_755delATATAGTTAA).
Protein change: p.His249fs; shifts the reading frame from histidine 249.
Molecular consequence: frameshift variant.
Genome position (GRCh38, 1-based): chr4:25,152,009-25,152,018, TTAACTATAT deleted on the plus strand (ATATAGTTAA on the coding strand, the reverse complement: SEPSECS is on the minus strand). VCF-style (leftmost placement, unchanged base first): chr4-25152008-ATTAACTATAT-A. GRCh37 (hg19) VCF-style: chr4-25153630-ATTAACTATAT-A.
Other names: c.1001_1010delATATAGTTAA, p.His334Leufs (NM_001410714.1); c.746_755delATATAGTTAA, p.His249Leufs (NM_153825.2); short protein forms H249fs.
Identifiers: ClinVar variation 1974688 (VCV001974688.5), dbSNP rs2474673178, ClinGen allele CA2580070927.

ClinVar aggregate classification (germline): Pathogenic (1 of 4 stars; one submission).

Submission:

Labcorp Genetics (formerly Invitae), Labcorp
Classification: Pathogenic. Last evaluated: 2024-02-25. Review status: criteria provided, single submitter. Criteria: Invitae Variant Classification Sherloc (09022015). Collection method: clinical testing. Allele origin: germline.
Comment: This sequence change creates a premature translational stop signal (p.His249Leufs*24) in the SEPSECS gene. It is expected to result in an absent or disrupted protein product. Loss-of-function variants in SEPSECS are known to be pathogenic (PMID: 25558065, 25590979, 26115735). This variant is not present in population databases (gnomAD no frequency). This variant has not been reported in the literature in individuals affected with SEPSECS-related conditions. ClinVar contains an entry for this variant (Variation ID: 1974688). For these reasons, this variant has been classified as Pathogenic.

Literature cited by the submitters: PubMed 25558065; PubMed 25590979; PubMed 26115735.